The following is an entry in ClinVar:

NM_006270.5(RRAS):c.453+20C>T

Gene: RRAS (RAS related; minus strand). Cytogenetic location: 19q13.33.
Variant type: single nucleotide variant.
Coding change: c.453+20C>T on transcript NM_006270.5 (MANE Select); 20 bases into the intron after coding-DNA position 453, C replaced by T.
Molecular consequence: intron variant.
Genome position (GRCh38, 1-based): chr19:49,636,599, G>A on the plus strand (C>T on the coding strand, the complement: RRAS is on the minus strand). VCF-style: chr19-49636599-G-A. GRCh37 (hg19) VCF-style: chr19-50139856-G-A.
Identifiers: ClinVar variation 496317 (VCV000496317.12), dbSNP rs117957448, ClinGen allele CA9579015.
Genomic context (GRCh38, chr19:49,636,599, plus strand): 5'-GGATGCTGATGGGGGACAGGTGTGCTGGAAGGAGCCTCCCAGACTGAGATGGGGTCCCCA[G>A]AAAGAGGGGTGTCCCGAACCTGGCGCTGTGACTCCAGATCTGCCTTGTTCCCGACCAACA-3'

ClinVar aggregate classification (germline): Benign/Likely benign. Review status: criteria provided, multiple submitters, no conflicts (2 of 4 stars). 3 submissions from 3 submitters: Benign (2); Likely benign (1). Last evaluated 2026-01-25.

Conditions:
Noonan syndrome (NS). Also called: Noonan's syndrome. Identifiers: Orphanet 648, MedGen C0028326, MeSH D009634, MONDO:0018997. Disease mechanism: gain of function.

Allele frequency attached by ClinVar (database versions not stated): 1000 Genomes Project 30x 0.00437; 1000 Genomes Project 0.00459; gnomAD exomes 0.00068 and 0.00246; gnomAD 0.00071 and 0.00096; TOPMed 0.00127; ExAC 0.00234.
gnomAD v4.1: 1,188 of 1,583,130 alleles (0.075%); highest among the groups gnomAD compares: East Asian, 2.3%; 16 homozygotes.

Submissions (3):

Labcorp Genetics (formerly Invitae), Labcorp
Classification: Benign for Noonan syndrome. Last evaluated: 2026-01-25. Review status: criteria provided, single submitter. Criteria: Invitae Variant Classification Sherloc (09022015). Collection method: clinical testing. Allele origin: germline.

GeneDx
Classification: Likely benign. Last evaluated: 2020-02-23. Review status: criteria provided, single submitter. Criteria: GeneDx Variant Classification Process June 2021. Collection method: clinical testing. Allele origin: germline. Affected: yes.

Women's Health and Genetics/Laboratory Corporation of America, LabCorp
Classification: Benign. Last evaluated: 2017-04-11. Review status: criteria provided, single submitter. Criteria: LabCorp Variant Classification Summary - May 2015. Collection method: clinical testing. Allele origin: germline.
Comment: Variant summary: The RRAS c.453+20C>T variant involves the alteration of a non-conserved intronic nucleotide. Mutation taster predicts a benign outcome for this variant. 5/5 splice prediction tools predict no significant impact on normal splicing. This variant was found in 282/120622 control chromosomes (including 4 homozygotes) from ExAC, predominantly observed in the East Asian subpopulation at a frequency of 0.032179 (277/8608). This frequency is about 12872 times the estimated maximal expected allele frequency of a pathogenic RRAS variant (0.0000025), suggesting this is likely a benign polymorphism found primarily in the populations of East Asian origin. Taken together, this variant is classified as Benign.